The following is an entry in ClinVar:

ClinVar aggregate classification (germline): Uncertain significance. Review status: criteria provided, multiple submitters, no conflicts (2 of 4 stars). 2 submissions from 2 submitters: Uncertain significance (2). Last evaluated 2025-01-20.

Conditions:
Cardiomyopathy (CMYO). Also called: Cardiomyopathies. Identifiers: Orphanet 167848, MedGen C0878544, MONDO:0004994, HP:0001638. Inheritance: Various modes of inheritance.
Hypertrophic cardiomyopathy. Also called: HYPERTROPHIC MYOCARDIOPATHY. Identifiers: Orphanet 217569, MedGen C0007194, MeSH D002312, MONDO:0005045, HP:0001639.

Submissions (2):

Color Diagnostics, LLC DBA Color Health
Classification: Uncertain significance for Cardiomyopathy. Last evaluated: 2025-01-20. Review status: criteria provided, single submitter. Criteria: ACMG Guidelines, 2015. Collection method: clinical testing. Allele origin: germline.
Comment: This variant causes a T to G nucleotide substitution at the -6 position of intron 3 of the TNNI3 gene. To our knowledge, functional studies have not been reported for this variant. This variant has not been reported in individuals affected with TNNI3-related disorders in the literature. This variant has been identified in 1/173736 chromosomes in the general population by the Genome Aggregation Database (gnomAD). The available evidence is insufficient to determine the role of this variant in disease conclusively. Therefore, this variant is classified as a Variant of Uncertain Significance.

All of Us Research Program, National Institutes of Health
Classification: Uncertain significance for Hypertrophic cardiomyopathy. Last evaluated: 2023-06-26. Review status: criteria provided, single submitter. Criteria: ACMG Guidelines, 2015. Collection method: clinical testing. Allele origin: germline. Inheritance: Autosomal dominant inheritance. Observed: 1 variant allele, 1 heterozygote.
Comment: This variant causes a T to G nucleotide substitution at the -6 position of intron 3 of the TNNI3 gene. To our knowledge, functional studies have not been reported for this variant. This variant has not been reported in individuals affected with TNNI3-related disorders in the literature. This variant has been identified in 1/173736 chromosomes in the general population by the Genome Aggregation Database (gnomAD). The available evidence is insufficient to determine the role of this variant in disease conclusively. Therefore, this variant is classified as a Variant of Uncertain Significance.

This study involves interpretation of variants in research participants for the purpose of population health screening. Participant phenotype was not available at the time of variant classification. Additional details can be found in publication PMID: 35346344, PMCID: PMC8962531

NM_000363.5(TNNI3):c.109-6T>G

Gene: TNNI3 (troponin I3, cardiac type; minus strand). Cytogenetic location: 19q13.42.
Variant type: single nucleotide variant.
Coding change: c.109-6T>G on transcript NM_000363.5 (MANE Select); 6 bases into the intron before coding-DNA position 109, T replaced by G.
Molecular consequence: intron variant.
Genome position (GRCh38, 1-based): chr19:55,156,650, A>C on the plus strand (T>G on the coding strand, the complement: TNNI3 is on the minus strand). VCF-style: chr19-55156650-A-C. GRCh37 (hg19) VCF-style: chr19-55668018-A-C.
Identifiers: ClinVar variation 3071914 (VCV003071914.2), dbSNP rs1256477479, ClinGen allele CA407442571.